The following is an entry in ClinVar:

NM_004006.2(DMD):c.7309+12789_7490del

Gene: DMD (dystrophin; minus strand). Cytogenetic location: Xp21.1.
Variant type: Deletion.
Coding change: c.7309+12789_7490del on transcript NM_004006.2; 12789 bases into the intron after coding-DNA position 7309 through coding-DNA position 7490, this stretch deleted.
Other names: c.7309+12789_7490del (LRG_199t1).
Identifiers: ClinVar variation 574971 (VCV000574971.1).

ClinVar aggregate classification (germline): Likely pathogenic (1 of 4 stars; one submission).

Conditions:
Duchenne muscular dystrophy (DMD). Also called: MUSCULAR DYSTROPHY, PSEUDOHYPERTROPHIC PROGRESSIVE, DUCHENNE TYPE; Duchenne Muscular Dystrophy (DMD). Identifiers: Orphanet 98896, MedGen C0013264, MONDO:0010679, OMIM 310200.

Submission:

Labcorp Genetics (formerly Invitae), Labcorp
Classification: Likely pathogenic for Duchenne muscular dystrophy. Last evaluated: 2018-05-07. Review status: criteria provided, single submitter. Criteria: Invitae Variant Classification Sherloc (09022015). Collection method: clinical testing. Allele origin: germline.
Comment: This variant is a deletion of the genomic region encompassing part of exon 51 (c.7309+12789_7490del) of the DMD gene. It is expected to disrupt RNA splicing and likely results in an absent or disrupted protein product. This variant has not been reported in the literature in individuals with DMD-related disease. Loss-of-function variants in DMD are known to be pathogenic (PMID: 16770791, 25007885). In summary, the currently available evidence indicates that the variant is pathogenic, but additional data are needed to prove that conclusively. Therefore, this variant has been classified as Likely Pathogenic.